The following is an entry in ClinVar:

ClinVar aggregate classification (germline): Uncertain significance (1 of 4 stars; one submission).

Conditions:
Neurodevelopmental disorder with hypotonia, seizures, and absent language (NDHSAL). Identifiers: MedGen C4310643, MONDO:0014995, OMIM 617268.

Submission:

Neuberg Centre For Genomic Medicine, NCGM
Classification: Uncertain significance for Neurodevelopmental disorder with hypotonia, seizures, and absent language. Review status: criteria provided, single submitter. Criteria: ACMG Guidelines, 2015. Collection method: clinical testing. Allele origin: germline. Inheritance: Autosomal dominant inheritance. Affected: yes.
Comment: The observed missense c.1685A>G(p.Gln562Arg) variant in HECW2 gene has not been reported previously as a pathogenic variant nor a benign variant, to our knowledge. The p.Gln562Arg variant is absent in gnomAD Exomes. This variant has not been submitted to the ClinVar database. Multiple lines of computational evidences (Polyphen - Benign, SIFT - Tolerated and MutationTaster - Polymorphism) predict no damaging effect on protein structure and function for this variant. The reference amino acid change at this position on HECW2 gene is predicted as conserved by GERP++ and PhyloP across 100 vertebrates. The amino acid Gln at position 562 is changed to a Arg changing protein sequence and it might alter its composition and physico-chemical properties. For these reasons, this variant has been classified as a Variant of Uncertain Significance (VUS).

NM_001348768.2(HECW2):c.1685A>G (p.Gln562Arg)

Gene: HECW2 (HECT, C2 and WW domain containing E3 ubiquitin protein ligase 2; minus strand). Cytogenetic location: 2q32.3.
Variant type: single nucleotide variant.
Coding change: c.1685A>G on transcript NM_001348768.2 (MANE Select); coding-DNA position 1685, A replaced by G.
Protein change: p.Gln562Arg; replaces glutamine 562 with arginine.
Molecular consequence: missense variant.
Genome position (GRCh38, 1-based): chr2:196,319,205, T>C on the plus strand (A>G on the coding strand, the complement: HECW2 is on the minus strand). VCF-style: chr2-196319205-T-C. GRCh37 (hg19) VCF-style: chr2-197183929-T-C.
Other names: c.617A>G, p.Gln206Arg (NM_001304840.3); c.1685A>G, p.Gln562Arg (NM_020760.4); short protein forms Q206R, Q562R.
Identifiers: ClinVar variation 3377543 (VCV003377543.1).
Genomic context (GRCh38, chr2:196,319,205, plus strand): 5'-GTGTCTGCGCCACTTGTGGGCTGATCTACCTCTTGAGAGCCACACAGTTCAGCACTGCCC[T>C]GGTCAGCACTGGGTTGAGGCTCTGGGCCGCCTTCACCTTCCTCTGGGGCTGGGCCTGCAG-3'
Protein context (NP_001335697.1, residues 552-572): GGPEPQPSAD[Gln562Arg]GSAELCGSQE